The following is an entry in ClinVar:

ClinVar aggregate classification (germline): Uncertain significance (1 of 4 stars; one submission).

gnomAD v4.1: 2 of 1,612,980 alleles (0.00012%); highest among the groups gnomAD compares: Non-Finnish European, 0.00017%; no homozygotes.

Submission:

Labcorp Genetics (formerly Invitae), Labcorp
Classification: Uncertain significance. Last evaluated: 2024-05-31. Review status: criteria provided, single submitter. Criteria: Invitae Variant Classification Sherloc (09022015). Collection method: clinical testing. Allele origin: germline.
Comment: This sequence change replaces alanine, which is neutral and non-polar, with threonine, which is neutral and polar, at codon 671 of the TNNI3K protein (p.Ala671Thr). This variant also falls at the last nucleotide of exon 20, which is part of the consensus splice site for this exon. This variant is present in population databases (rs140657235, gnomAD 0.0009%). This variant has not been reported in the literature in individuals affected with TNNI3K-related conditions. An algorithm developed to predict the effect of missense changes on protein structure and function (PolyPhen-2) suggests that this variant is likely to be disruptive. Variants that disrupt the consensus splice site are a relatively common cause of aberrant splicing (PMID: 17576681, 9536098). Algorithms developed to predict the effect of sequence changes on RNA splicing suggest that this variant may disrupt the consensus splice site. In summary, the available evidence is currently insufficient to determine the role of this variant in disease. Therefore, it has been classified as a Variant of Uncertain Significance.

Literature cited by the submitters: PubMed 17576681; PubMed 9536098.

NM_015978.3(TNNI3K):c.2011G>A (p.Ala671Thr)

Genes: FPGT-TNNI3K (FPGT-TNNI3K readthrough; plus strand), TNNI3K (TNNI3 interacting kinase; plus strand). Cytogenetic location: 1p31.1.
Variant type: single nucleotide variant.
Coding change: c.2011G>A on transcript NM_015978.3 (MANE Select); coding-DNA position 2011, G replaced by A.
Protein change: p.Ala671Thr; replaces alanine 671 with threonine.
Molecular consequence: missense variant.
Genome position (GRCh38, 1-based): chr1:74,439,622, G>A. VCF-style: chr1-74439622-G-A. GRCh37 (hg19) VCF-style: chr1-74905306-G-A.
Other names: c.2314G>A, p.Ala772Thr (NM_001112808.3, NM_001199327.2); short protein forms A772T, A671T.
Identifiers: ClinVar variation 3697741 (VCV003697741.2).